The following is an entry in ClinVar:

ClinVar aggregate classification (germline): Uncertain significance (1 of 4 stars; one submission).

Submission:

Labcorp Genetics (formerly Invitae), Labcorp
Classification: Uncertain significance. Last evaluated: 2022-11-28. Review status: criteria provided, single submitter. Criteria: Invitae Variant Classification Sherloc (09022015). Collection method: clinical testing. Allele origin: germline.
Comment: This variant has not been reported in the literature in individuals affected with BACH2-related conditions. This sequence change replaces threonine, which is neutral and polar, with alanine, which is neutral and non-polar, at codon 359 of the BACH2 protein (p.Thr359Ala). This variant is not present in population databases (gnomAD no frequency). Advanced modeling of protein sequence and biophysical properties (such as structural, functional, and spatial information, amino acid conservation, physicochemical variation, residue mobility, and thermodynamic stability) performed at Invitae indicates that this missense variant is not expected to disrupt BACH2 protein function. In summary, the available evidence is currently insufficient to determine the role of this variant in disease. Therefore, it has been classified as a Variant of Uncertain Significance.

NM_021813.4(BACH2):c.1075A>G (p.Thr359Ala)

Gene: BACH2 (BACH transcriptional regulator 2; minus strand). Cytogenetic location: 6q15.
Variant type: single nucleotide variant.
Coding change: c.1075A>G on transcript NM_021813.4 (MANE Select); coding-DNA position 1075, A replaced by G.
Protein change: p.Thr359Ala; replaces threonine 359 with alanine.
Molecular consequence: missense variant.
Genome position (GRCh38, 1-based): chr6:89,951,031, T>C on the plus strand (A>G on the coding strand, the complement: BACH2 is on the minus strand). VCF-style: chr6-89951031-T-C. GRCh37 (hg19) VCF-style: chr6-90660750-T-C.
Other names: c.1075A>G, p.Thr359Ala (NM_001170794.2); short protein forms T359A.
Identifiers: ClinVar variation 1999362 (VCV001999362.4), dbSNP rs2533566439, ClinGen allele CA365071622.
Genomic context (GRCh38, chr6:89,951,031, plus strand): 5'-CCTGAGTGATCCCCTTGTCAAAAGGGCAGGCTGGACTCCTGGCAAAGTGCTGCTGAGATG[T>C]ACTGGGCAGGCCAGACAGCTCCACACTTTTCGTTATGCTGAACAGAGACCTTAAGCAGGA-3'
Protein context (NP_068585.1, residues 349-369): KSVELSGLPS[Thr359Ala]SQQHFARSPA